The following is an entry in ClinVar:

ClinVar aggregate classification (germline): Uncertain significance (1 of 4 stars; one submission).

Conditions:
Cardiomyopathy (CMYO). Also called: Cardiomyopathies. Identifiers: Orphanet 167848, MedGen C0878544, MONDO:0004994, HP:0001638. Inheritance: Various modes of inheritance.

Submission:

Color Diagnostics, LLC DBA Color Health
Classification: Uncertain significance for Cardiomyopathy. Last evaluated: 2024-03-06. Review status: criteria provided, single submitter. Criteria: ACMG Guidelines, 2015. Collection method: clinical testing. Allele origin: germline.
Comment: This missense variant replaces glycine with aspartic acid at codon 2700 of the DSP protein. Computational prediction suggests that this variant may not impact protein structure and function (internally defined REVEL score threshold <= 0.5, PMID: 27666373). Splice site prediction tools suggest that this variant may not impact RNA splicing. To our knowledge, functional studies have not been performed for this variant. This variant has not been reported in individuals affected with cardiovascular disorders in the literature. This variant has not been identified in the general population by the Genome Aggregation Database (gnomAD). The available evidence is insufficient to determine the role of this variant in disease conclusively. Therefore, this variant is classified as a Variant of Uncertain Significance.

NM_004415.4(DSP):c.8099G>A (p.Gly2700Asp)

Gene: DSP (desmoplakin; plus strand). Cytogenetic location: 6p24.3.
Variant type: single nucleotide variant.
Coding change: c.8099G>A on transcript NM_004415.4 (MANE Select); coding-DNA position 8099, G replaced by A.
Protein change: p.Gly2700Asp; replaces glycine 2700 with aspartic acid.
Molecular consequence: missense variant.
Genome position (GRCh38, 1-based): chr6:7,585,361, G>A. VCF-style: chr6-7585361-G-A. GRCh37 (hg19) VCF-style: chr6-7585594-G-A.
Other names: c.6302G>A, p.Gly2101Asp (NM_001008844.3); c.6770G>A, p.Gly2257Asp (NM_001319034.2); short protein forms G2101D, G2700D, G2257D.
Identifiers: ClinVar variation 923176 (VCV000923176.4), dbSNP rs1019638361, ClinGen allele CA133977178.